The following is an entry in ClinVar:

NM_003709.4(KLF7):c.785G>A (p.Arg262Gln)

Gene: KLF7 (KLF transcription factor 7; minus strand). Cytogenetic location: 2q33.3.
Variant type: single nucleotide variant.
Coding change: c.785G>A on transcript NM_003709.4 (MANE Select); coding-DNA position 785, G replaced by A.
Protein change: p.Arg262Gln; replaces arginine 262 with glutamine.
Molecular consequence: missense variant. On other transcripts: non-coding transcript variant (1).
Genome position (GRCh38, 1-based): chr2:207,088,530, C>T on the plus strand (G>A on the coding strand, the complement: KLF7 is on the minus strand). VCF-style: chr2-207088530-C-T. GRCh37 (hg19) VCF-style: chr2-207953254-C-T.
Other names: c.583G>A, p.Glu195Lys (NM_001270942.1); c.686G>A, p.Arg229Gln (NM_001270943.2); c.701G>A, p.Arg234Gln (NM_001270944.2); short protein forms E195K, R229Q, R234Q, R262Q.
Identifiers: ClinVar variation 3368543 (VCV003368543.8).

ClinVar aggregate classification (germline): Uncertain significance. Review status: criteria provided, multiple submitters, no conflicts (2 of 4 stars). 2 submissions from 2 submitters: Uncertain significance (2). Last evaluated 2025-04-01.

Submissions (2):

CeGaT Center for Human Genetics Tuebingen
Classification: Uncertain significance. Last evaluated: 2025-04-01. Review status: criteria provided, single submitter. Criteria: CeGaT Center For Human Genetics Tuebingen Variant Classification Criteria Version 2. Collection method: clinical testing. Allele origin: germline. Affected: yes. Observed: 1 variant allele.
Comment: KLF7: PM2, PP2

GeneDx
Classification: Uncertain significance. Last evaluated: 2024-02-07. Review status: criteria provided, single submitter. Criteria: GeneDx Variant Classification Process June 2021. Collection method: clinical testing. Allele origin: germline. Affected: yes.
Comment: Not observed at significant frequency in large population cohorts (gnomAD); In silico analysis supports that this missense variant has a deleterious effect on protein structure/function; Has not been previously published as pathogenic or benign to our knowledge